The following is an entry in ClinVar:

ClinVar aggregate classification (germline): Benign (1 of 4 stars; one submission).

Allele frequency attached by ClinVar (database versions not stated): TOPMed 0.87832; gnomAD 0.88372 and 0.88916; 1000 Genomes Project 30x 0.88429; 1000 Genomes Project 0.88838.

Submission:

GeneDx
Classification: Benign. Last evaluated: 2018-06-18. Review status: criteria provided, single submitter. Criteria: GeneDx Variant Classification (06012015). Collection method: clinical testing. Allele origin: germline. Affected: yes.
Comment: This variant is considered likely benign or benign based on one or more of the following criteria: it is a conservative change, it occurs at a poorly conserved position in the protein, it is predicted to be benign by multiple in silico algorithms, and/or has population frequency not consistent with disease.

NM_000744.7(CHRNA4):c.384-313G>A

Gene: CHRNA4 (cholinergic receptor nicotinic alpha 4 subunit; minus strand). Cytogenetic location: 20q13.33.
Variant type: single nucleotide variant.
Coding change: c.384-313G>A on transcript NM_000744.7 (MANE Select); 313 bases into the intron before coding-DNA position 384, G replaced by A.
Molecular consequence: intron variant.
Genome position (GRCh38, 1-based): chr20:63,351,340, C>T on the plus strand (G>A on the coding strand, the complement: CHRNA4 is on the minus strand). VCF-style: chr20-63351340-C-T. GRCh37 (hg19) VCF-style: chr20-61982692-C-T.
Other names: c.-145-313G>A (NM_001256573.2).
Identifiers: ClinVar variation 668092 (VCV000668092.1), dbSNP rs6011772, ClinGen allele CA14840557.